The following is an entry in ClinVar:

NM_001004690.1(OR2M5):c.619A>C (p.Ile207Leu)

Gene: OR2M5 (olfactory receptor family 2 subfamily M member 5; plus strand). Cytogenetic location: 1q44.
Variant type: single nucleotide variant.
Coding change: c.619A>C on transcript NM_001004690.1 (MANE Select); coding-DNA position 619, A replaced by C.
Protein change: p.Ile207Leu; replaces isoleucine 207 with leucine.
Molecular consequence: missense variant.
Genome position (GRCh38, 1-based): chr1:248,145,766, A>C. VCF-style: chr1-248145766-A-C. GRCh37 (hg19) VCF-style: chr1-248309068-A-C.
Other names: short protein forms I207L.
Identifiers: ClinVar variation 2640250 (VCV002640250.24), dbSNP rs147727887, ClinGen allele CA1501174.

ClinVar aggregate classification (germline): Likely benign (1 of 4 stars; one submission).

Allele frequency attached by ClinVar (database versions not stated): ESP Exome Variant Server 0.00023; gnomAD exomes 0.00031; ExAC 0.00200; 1000 Genomes Project 30x 0.00656.

Submission:

CeGaT Center for Human Genetics Tuebingen
Classification: Likely benign. Last evaluated: 2022-12-01. Review status: criteria provided, single submitter. Criteria: CeGaT Center For Human Genetics Tuebingen Variant Classification Criteria Version 2. Collection method: clinical testing. Allele origin: germline. Affected: yes. Observed: 1 variant allele.
Comment: OR2M5: BP4, BS2